The following is an entry in ClinVar:

NM_000057.4(BLM):c.527A>C (p.His176Pro)

Gene: BLM (BLM RecQ like helicase; plus strand). Cytogenetic location: 15q26.1.
Variant type: single nucleotide variant.
Coding change: c.527A>C on transcript NM_000057.4 (MANE Select); coding-DNA position 527, A replaced by C.
Protein change: p.His176Pro; replaces histidine 176 with proline.
Molecular consequence: missense variant. On other transcripts: 5 prime UTR variant (1).
Genome position (GRCh38, 1-based): chr15:90,749,795, A>C. VCF-style: chr15-90749795-A-C. GRCh37 (hg19) VCF-style: chr15-91293025-A-C.
Other names: c.527A>C, p.His176Pro (NM_001287246.2, NM_001287247.2); c.-765A>C (NM_001287248.2); short protein forms H176P.
Identifiers: ClinVar variation 2717310 (VCV002717310.3), dbSNP rs2505393115, ClinGen allele CA393840981.

ClinVar aggregate classification (germline): Uncertain significance (1 of 4 stars; one submission).

Conditions:
Bloom syndrome (BLM). Also called: Bloom-Torre-Machacek syndrome. Identifiers: Orphanet 125, MedGen C0005859, MONDO:0008876, OMIM 210900.

Submission:

Labcorp Genetics (formerly Invitae), Labcorp
Classification: Uncertain significance for Bloom syndrome. Last evaluated: 2023-05-25. Review status: criteria provided, single submitter. Criteria: Invitae Variant Classification Sherloc (09022015). Collection method: clinical testing. Allele origin: germline.
Comment: In summary, the available evidence is currently insufficient to determine the role of this variant in disease. Therefore, it has been classified as a Variant of Uncertain Significance. Algorithms developed to predict the effect of missense changes on protein structure and function output the following: SIFT: "Not Available"; PolyPhen-2: "Benign"; Align-GVGD: "Not Available". The proline amino acid residue is found in multiple mammalian species, which suggests that this missense change does not adversely affect protein function. This variant has not been reported in the literature in individuals affected with BLM-related conditions. This variant is not present in population databases (gnomAD no frequency). This sequence change replaces histidine, which is basic and polar, with proline, which is neutral and non-polar, at codon 176 of the BLM protein (p.His176Pro).